The following is an entry in ClinVar:

NM_001165963.4(SCN1A):c.289_292del (p.Lys97fs)

Gene: SCN1A (sodium voltage-gated channel alpha subunit 1; minus strand). Cytogenetic location: 2q24.3.
Variant type: Deletion.
Coding change: c.289_292del on transcript NM_001165963.4 (MANE Select); coding-DNA positions 289 to 292, 4 bases deleted (AAGG; older notation c.289_292delAAGG).
Protein change: p.Lys97fs; shifts the reading frame from lysine 97.
Molecular consequence: frameshift variant. On other transcripts: 5 prime UTR variant (1), non-coding transcript variant (1).
Genome position (GRCh38, 1-based): chr2:166,058,661-166,058,664, CCTT deleted on the plus strand (AAGG on the coding strand, the reverse complement: SCN1A is on the minus strand); deleting any 4 consecutive bases within chr2:166,058,661-166,058,666 gives the same sequence; the c. name uses the placement nearest the transcript's 3' end. VCF-style (leftmost placement, unchanged base first): chr2-166058660-GCCTT-G. GRCh37 (hg19) VCF-style: chr2-166915170-GCCTT-G.
Other names: c.289_292del, p.Lys97fs (NM_001165964.3, NM_001202435.3, NM_001353948.2 and 10 more transcripts); c.-2137_-2134del (NM_001353961.2); short protein forms K97fs.
Identifiers: ClinVar variation 189959 (VCV000189959.1), dbSNP rs794726796, ClinGen allele CA303408.

ClinVar aggregate classification (germline): Pathogenic (1 of 4 stars; one submission).

Conditions:
Severe myoclonic epilepsy in infancy (DRVT). Also called: Epileptic encephalopathy, early infantile, 6 (Dravet syndrome); SEVERE MYOCLONIC EPILEPSY OF INFANCY; DEVELOPMENTAL AND EPILEPTIC ENCEPHALOPATHY 6A; Severe Myoclonic Epilepsy in Infancy (SMEI); Dravet syndrome. Identifiers: Orphanet 33069, MedGen C0751122, MONDO:0100135, OMIM 607208.

Submission:

Center for Bioinformatics, Peking University
Classification: Pathogenic for Dravet syndrome. Last evaluated: 2014-12-20. Review status: criteria provided, single submitter. Criteria: Xu et al. (Hum Mutat. 2015). Collection method: research. Allele origin: de novo. Affected: yes. Observed: 1 variant allele. Study: University Clinical Cooperation “985 Project” PKU-2014-1-1.
Comment: Dravet syndrome (DS) probands were recruited from the outpatient and inpatient child neurology units of Peking University First Hospital from 2005 till present. The study was approved by the Ethics Committee of Peking University First Hospital and the Institutional Review Board at Peking University. Participants or their parents provided written informed consent before enrollment. We collected a total of 267 mutations from 255 families with probands diagnosed with DS in China. All probands fulfilled the clinical diagnostic criteria.